The following is an entry in ClinVar:

ClinVar aggregate classification (germline): Uncertain significance (1 of 4 stars; one submission).

Conditions:
RASopathy. Also called: rasopathies; Noonan spectrum disorder. Identifiers: Orphanet 536391, MedGen C5555857, MONDO:0021060.

Submission:

Labcorp Genetics (formerly Invitae), Labcorp
Classification: Uncertain significance for RASopathy. Last evaluated: 2022-07-19. Review status: criteria provided, single submitter. Criteria: Invitae Variant Classification Sherloc (09022015). Collection method: clinical testing. Allele origin: germline.
Comment: This variant has not been reported in the literature in individuals affected with CBL-related conditions. This variant is not present in population databases (gnomAD no frequency). This sequence change replaces proline, which is neutral and non-polar, with glutamine, which is neutral and polar, at codon 545 of the CBL protein (p.Pro545Gln). ClinVar contains an entry for this variant (Variation ID: 1523089). In summary, the available evidence is currently insufficient to determine the role of this variant in disease. Therefore, it has been classified as a Variant of Uncertain Significance. Advanced modeling of protein sequence and biophysical properties (such as structural, functional, and spatial information, amino acid conservation, physicochemical variation, residue mobility, and thermodynamic stability) performed at Invitae indicates that this missense variant is not expected to disrupt CBL protein function.

NM_005188.4(CBL):c.1634C>A (p.Pro545Gln)

Gene: CBL (Cbl proto-oncogene; plus strand). Cytogenetic location: 11q23.3.
Variant type: single nucleotide variant.
Coding change: c.1634C>A on transcript NM_005188.4 (MANE Select); coding-DNA position 1634, C replaced by A.
Protein change: p.Pro545Gln; replaces proline 545 with glutamine.
Molecular consequence: missense variant.
Genome position (GRCh38, 1-based): chr11:119,285,259, C>A. VCF-style: chr11-119285259-C-A. GRCh37 (hg19) VCF-style: chr11-119155969-C-A.
Other names: short protein forms P545Q.
Identifiers: ClinVar variation 1523089 (VCV001523089.8), dbSNP rs1949973481, ClinGen allele CA382919355.